The following is an entry in ClinVar:

NM_003982.4(SLC7A7):c.701del (p.Tyr233_Ser234insTer)

Gene: SLC7A7 (solute carrier family 7 member 7; minus strand). Cytogenetic location: 14q11.2.
Variant type: Deletion.
Coding change: c.701del on transcript NM_003982.4 (MANE Select); coding-DNA position 701, one base deleted (C; older notation c.701delC).
Protein change: p.Tyr233_Ser234insTer.
Molecular consequence: nonsense.
Genome position (GRCh38, 1-based): chr14:22,778,862, G deleted on the plus strand (C on the coding strand, the reverse complement: SLC7A7 is on the minus strand). VCF-style (leftmost placement, unchanged base first): chr14-22778861-TG-T. GRCh37 (hg19) VCF-style: chr14-23248070-TG-T.
Other names: c.701del, p.Tyr233_Ser234insTer (NM_001126105.3, NM_001126106.4); c.701del (NM_001126106.2); c.701delC (NM_001126106.2).
Identifiers: ClinVar variation 1076198 (VCV001076198.12), dbSNP rs748127544, ClinGen allele CA7104623.
Genomic context (GRCh38, chr14:22,778,861, plus strand): 5'-ATTCTTGATCTCTTCAGTGACATAGTTGAGGGTGTCCCAGCCTGAGTAGGAGAACAGAGC[TG>T]AGTACAGTGCCAGGGCAATGTCACCCACTGCAAATGATGAACCCTCAAAGGAATTCTCAA-3'

ClinVar aggregate classification (germline): Pathogenic. Review status: criteria provided, multiple submitters, no conflicts (2 of 4 stars). 4 submissions from 4 submitters: Pathogenic (4). Last evaluated 2026-07-30.

Conditions:
Lysinuric protein intolerance (LPI). Identifiers: Orphanet 470, MedGen C0268647, MONDO:0009109, OMIM 222700.
SLC7A7-related disorder. Also called: SLC7A7-related condition.

Allele frequency attached by ClinVar (database versions not stated): ExAC 0.00001; TOPMed 0.00001; gnomAD 0.00002; gnomAD exomes 0.00002; ESP Exome Variant Server 0.00008.

Submissions (4):

PreventionGenetics, part of Exact Sciences
Classification: Pathogenic for SLC7A7-related condition. Last evaluated: 2026-07-30. Review status: criteria provided, single submitter. Criteria: ACMG Guidelines, 2015. Collection method: clinical testing. Allele origin: germline.
Comment: The SLC7A7 c.701delC variant is predicted to result in premature protein termination (p.Ser234*). This variant has been reported in the presumed compound heterozygous state with a splice-altering SLC7A7 variant (c.895-1G>A) in an individual with haemophagocytic lymphohistiocytosis (Gadoury-Levesque et al. 2020. PubMed ID: 32542393). This variant is reported in 0.012% of alleles in individuals of African descent in gnomAD. This variant is interpreted as pathogenic.

Natera, Inc.
Classification: Pathogenic for Lysinuric protein intolerance. Last evaluated: 2025-11-12. Review status: criteria provided, single submitter. Criteria: Natera Variant Classification Schema (03/2026). Collection method: clinical testing. Allele origin: germline.
Comment: The c.701delC variant in SLC7A7 is a frameshift variant predicted to shift the reading frame and introduce a stop codon. This variant is expected to result in nonsense mediated decay, truncation, or a dysfunctional protein product. This variant is rare in the general population with a frequency below the threshold expected for the associated phenotype(s). This variant has been observed in one or more individuals affected with the associated recessive disease, as either homozygous or compound heterozygous with a second variant (PMID: 32542393). Given the available evidence, this variant is classified as Pathogenic.

Fulgent Genetics
Classification: Pathogenic for Lysinuric protein intolerance. Last evaluated: 2024-01-12. Review status: criteria provided, single submitter. Criteria: ACMG Guidelines, 2015. Collection method: clinical testing. Allele origin: germline.

Labcorp Genetics (formerly Invitae), Labcorp
Classification: Pathogenic for Lysinuric protein intolerance. Last evaluated: 2022-09-25. Review status: criteria provided, single submitter. Criteria: Invitae Variant Classification Sherloc (09022015). Collection method: clinical testing. Allele origin: germline.
Comment: This sequence change creates a premature translational stop signal (p.Ser234*) in the SLC7A7 gene. It is expected to result in an absent or disrupted protein product. Loss-of-function variants in SLC7A7 are known to be pathogenic (PMID: 10631139, 17764084). This variant is present in population databases (rs748127544, gnomAD 0.01%). This premature translational stop signal has been observed in individual(s) with hemophagocytic lymphohistiocytosis (PMID: 32542393). ClinVar contains an entry for this variant (Variation ID: 1076198). For these reasons, this variant has been classified as Pathogenic.

Literature cited by the submitters: PubMed 32542393 (cited by Natera, Inc. and Labcorp Genetics (formerly Invitae), Labcorp); PubMed 10631139 (cited by Labcorp Genetics (formerly Invitae), Labcorp); PubMed 17764084 (cited by Labcorp Genetics (formerly Invitae), Labcorp).